The following is an entry in ClinVar:

NM_016406.4(UFC1):c.41C>T (p.Pro14Leu)

Genes: UFC1 (ubiquitin-fold modifier conjugating enzyme 1; plus strand), LOC126805894 (MED14-independent group 3 enhancer GRCh37_chr1:161123368-161124567; plus strand). Cytogenetic location: 1q23.3.
Variant type: single nucleotide variant.
Coding change: c.41C>T on transcript NM_016406.4 (MANE Select); coding-DNA position 41, C replaced by T.
Protein change: p.Pro14Leu; replaces proline 14 with leucine.
Molecular consequence: missense variant.
Genome position (GRCh38, 1-based): chr1:161,154,038, C>T. VCF-style: chr1-161154038-C-T. GRCh37 (hg19) VCF-style: chr1-161123828-C-T.
Other names: short protein forms P14L.
Identifiers: ClinVar variation 1033413 (VCV001033413.1), dbSNP rs765871516, ClinGen allele CA1206315.

ClinVar aggregate classification (germline): Uncertain significance (1 of 4 stars; one submission).

Conditions:
Neurodevelopmental disorder with spasticity and poor growth. Identifiers: MedGen C4748081, MONDO:0060752, OMIM 618076.

Allele frequency attached by ClinVar (database versions not stated): gnomAD exomes 0.00001; TOPMed 0.00003 and 0.00002; ExAC 0.00001; gnomAD 0.00003.
gnomAD v4.1: 6 of 1,613,920 alleles (0.00037%); highest among the groups gnomAD compares: African/African-American, 0.008%; no homozygotes.

Submission:

Baylor Genetics
Classification: Uncertain significance for Neurodevelopmental disorder with spasticity and poor growth. Last evaluated: 2018-10-05. Review status: criteria provided, single submitter. Criteria: ACMG Guidelines, 2015. Collection method: clinical testing. Allele origin: paternal. Affected: yes.
Comment: This variant was determined to be of uncertain significance according to ACMG Guidelines, 2015 [PMID:25741868].